The following is an entry in ClinVar:

ClinVar aggregate classification (germline): Uncertain significance (1 of 4 stars; one submission).

gnomAD v4.1: 4 of 1,211,273 alleles (0.00033%); highest among the groups gnomAD compares: Non-Finnish European, 0.00034%; no homozygotes.

Submission:

Ambry Genetics
Classification: Uncertain significance. Last evaluated: 2026-01-21. Review status: criteria provided, single submitter. Criteria: Ambry Variant Classification Scheme 2023. Collection method: clinical testing. Allele origin: germline.
Comment: The c.1923C>G (p.I641M) alteration is located in exon 3 (coding exon 2) of the KIAA2022 gene. This alteration results from a C to G substitution at nucleotide position 1923, causing the isoleucine (I) at amino acid position 641 to be replaced by a methionine (M). Based on data from gnomAD, the G allele has an overall frequency of 0.001% (1/181488) total alleles studied. The highest observed frequency was 0.001% (1/80768) of European (non-Finnish) alleles. Based on insufficient or conflicting evidence, the clinical significance of this alteration remains unclear.

NM_001008537.3(NEXMIF):c.1923C>G (p.Ile641Met)

Gene: NEXMIF (neurite extension and migration factor; minus strand). Cytogenetic location: Xq13.3.
Variant type: single nucleotide variant.
Coding change: c.1923C>G on transcript NM_001008537.3 (MANE Select); coding-DNA position 1923, C replaced by G.
Protein change: p.Ile641Met; replaces isoleucine 641 with methionine.
Molecular consequence: missense variant.
Genome position (GRCh38, 1-based): chrX:74,742,634, G>C on the plus strand (C>G on the coding strand, the complement: NEXMIF is on the minus strand). VCF-style: chrX-74742634-G-C. GRCh37 (hg19) VCF-style: chrX-73962469-G-C.
Other names: short protein forms I641M.
Identifiers: ClinVar variation 4839474 (VCV004839474.1).